The following is an entry in ClinVar:

NM_002471.4(MYH6):c.1527G>A (p.Trp509Ter)

Gene: MYH6 (myosin heavy chain 6; minus strand). Cytogenetic location: 14q11.2.
Variant type: single nucleotide variant.
Coding change: c.1527G>A on transcript NM_002471.4 (MANE Select); coding-DNA position 1527, G replaced by A.
Protein change: p.Trp509Ter; replaces tryptophan 509 with a stop codon.
Molecular consequence: nonsense.
Genome position (GRCh38, 1-based): chr14:23,400,310, C>T on the plus strand (G>A on the coding strand, the complement: MYH6 is on the minus strand). VCF-style: chr14-23400310-C-T. GRCh37 (hg19) VCF-style: chr14-23869519-C-T.
Other names: short protein forms W509*.
Identifiers: ClinVar variation 5040214 (VCV005040214.1).
Genomic context (GRCh38, chr14:23,400,310, plus strand): 5'-AGGCACCTTCTCGATGAGGTCAATGCAGGCCTGCAGGTCCATGCCAAAGTCAATGAATGT[C>T]CACTCAATGCCCTCCTTCTTGTACTCCTCCTGCTCCAGCACGAACATGTGGTGGTTGAAG-3'

ClinVar aggregate classification (germline): Uncertain significance (1 of 4 stars; one submission).

gnomAD v4.1: 1 of 1,614,216 alleles (0.000062%); highest among the groups gnomAD compares: East Asian, 0.0022%; no homozygotes.

Submission:

CeGaT Center for Human Genetics Tuebingen
Classification: Uncertain significance. Last evaluated: 2026-07-01. Review status: criteria provided, single submitter. Criteria: CeGaT Center For Human Genetics Tuebingen Variant Classification Criteria Version 2. Collection method: clinical testing. Allele origin: germline. Affected: yes. Observed: 1 variant allele.
Comment: MYH6: PM2, PVS1:Moderate